The following is an entry in ClinVar:

ClinVar aggregate classification (germline): Uncertain significance (1 of 4 stars; one submission).

Allele frequency attached by ClinVar (database versions not stated): gnomAD exomes below 0.00001.
gnomAD v4.1: 5 of 1,614,068 alleles (0.00031%); highest among the groups gnomAD compares: Admixed American, 0.0017%; no homozygotes.

Submission:

Labcorp Genetics (formerly Invitae), Labcorp
Classification: Uncertain significance. Last evaluated: 2021-12-27. Review status: criteria provided, single submitter. Criteria: Invitae Variant Classification Sherloc (09022015). Collection method: clinical testing. Allele origin: germline.
Comment: Algorithms developed to predict the effect of missense changes on protein structure and function are either unavailable or do not agree on the potential impact of this missense change (SIFT: "Deleterious"; PolyPhen-2: "Possibly Damaging"; Align-GVGD: "Class C0"). In summary, the available evidence is currently insufficient to determine the role of this variant in disease. Therefore, it has been classified as a Variant of Uncertain Significance. This variant is present in population databases (no rsID available, gnomAD 0.003%). This sequence change replaces arginine, which is basic and polar, with histidine, which is basic and polar, at codon 1094 of the PRPF8 protein (p.Arg1094His). This variant has not been reported in the literature in individuals affected with PRPF8-related conditions.

NM_006445.4(PRPF8):c.3281G>A (p.Arg1094His)

Gene: PRPF8 (pre-mRNA processing factor 8; minus strand). Cytogenetic location: 17p13.3.
Variant type: single nucleotide variant.
Coding change: c.3281G>A on transcript NM_006445.4 (MANE Select); coding-DNA position 3281, G replaced by A.
Protein change: p.Arg1094His; replaces arginine 1094 with histidine.
Molecular consequence: missense variant.
Genome position (GRCh38, 1-based): chr17:1,674,460, C>T on the plus strand (G>A on the coding strand, the complement: PRPF8 is on the minus strand). VCF-style: chr17-1674460-C-T. GRCh37 (hg19) VCF-style: chr17-1577754-C-T.
Other names: short protein forms R1094H.
Identifiers: ClinVar variation 2061936 (VCV002061936.4), dbSNP rs1274107477, ClinGen allele CA397542164.